The following is an entry in ClinVar:

ClinVar aggregate classification (germline): Uncertain significance (1 of 4 stars; one submission).

Conditions:
Birt-Hogg-Dube syndrome. Also called: Birt Hogg Dubé syndrome. Identifiers: Orphanet 122, MedGen C0346010, MONDO:0800444.

Submission:

Labcorp Genetics (formerly Invitae), Labcorp
Classification: Uncertain significance for Birt-Hogg-Dube syndrome. Last evaluated: 2021-12-25. Review status: criteria provided, single submitter. Criteria: Invitae Variant Classification Sherloc (09022015). Collection method: clinical testing. Allele origin: germline.
Comment: This sequence change replaces serine, which is neutral and polar, with tyrosine, which is neutral and polar, at codon 331 of the FLCN protein (p.Ser331Tyr). This variant is not present in population databases (gnomAD no frequency). This variant has not been reported in the literature in individuals affected with FLCN-related conditions. Algorithms developed to predict the effect of missense changes on protein structure and function (SIFT, PolyPhen-2, Align-GVGD) all suggest that this variant is likely to be tolerated. In summary, the available evidence is currently insufficient to determine the role of this variant in disease. Therefore, it has been classified as a Variant of Uncertain Significance.

NM_144997.7(FLCN):c.992C>A (p.Ser331Tyr)

Gene: FLCN (folliculin; minus strand). Cytogenetic location: 17p11.2.
Variant type: single nucleotide variant.
Coding change: c.992C>A on transcript NM_144997.7 (MANE Select); coding-DNA position 992, C replaced by A.
Protein change: p.Ser331Tyr; replaces serine 331 with tyrosine.
Molecular consequence: missense variant.
Genome position (GRCh38, 1-based): chr17:17,219,089, G>T on the plus strand (C>A on the coding strand, the complement: FLCN is on the minus strand). VCF-style: chr17-17219089-G-T. GRCh37 (hg19) VCF-style: chr17-17122403-G-T.
Other names: c.1046C>A, p.Ser349Tyr (NM_001353229.2); c.992C>A, p.Ser331Tyr (NM_001353230.2, NM_001353231.2); short protein forms S331Y, S349Y.
Identifiers: ClinVar variation 2059526 (VCV002059526.4), dbSNP rs202215080, ClinGen allele CA398532854.